The following is an entry in ClinVar:

ClinVar aggregate classification (germline): Benign/Likely benign. Review status: criteria provided, multiple submitters, no conflicts (2 of 4 stars). 4 submissions from 4 submitters: Benign (1); Likely benign (3). Last evaluated 2025-09-25.

Allele frequency attached by ClinVar (database versions not stated): 1000 Genomes Project 0.00040; 1000 Genomes Project 30x 0.00047; ExAC 0.00053; gnomAD 0.00109 and 0.00118; ESP Exome Variant Server 0.00132; TOPMed 0.00134.
gnomAD v4.1: 515 of 1,550,208 alleles (0.033%); highest among the groups gnomAD compares: African/African-American, 0.31%; 1 homozygote.

Submissions (4):

Labcorp Genetics (formerly Invitae), Labcorp
Classification: Likely benign. Last evaluated: 2025-09-25. Review status: criteria provided, single submitter. Criteria: Invitae Variant Classification Sherloc (09022015). Collection method: clinical testing. Allele origin: germline.

ARUP Laboratories, Molecular Genetics and Genomics, ARUP Laboratories
Classification: Benign. Last evaluated: 2025-06-23. Review status: criteria provided, single submitter. Criteria: ARUP Molecular Germline Variant Investigation Process 2024. Collection method: clinical testing. Allele origin: germline.

Blueprint Genetics
Classification: Likely benign. Last evaluated: 2024-11-13. Review status: criteria provided, single submitter. Criteria: ACMG Guidelines, 2015. Collection method: clinical testing. Allele origin: germline.

CeGaT Center for Human Genetics Tuebingen
Classification: Likely benign. Last evaluated: 2022-09-01. Review status: criteria provided, single submitter. Criteria: CeGaT Center For Human Genetics Tuebingen Variant Classification Criteria Version 2. Collection method: clinical testing. Allele origin: germline. Affected: yes. Observed: 1 variant allele.
Comment: PIEZO1: BP4, BP7

NM_001142864.4(PIEZO1):c.3636C>T (p.Leu1212=)

Gene: PIEZO1 (piezo type mechanosensitive ion channel component 1 (Er blood group); minus strand). Cytogenetic location: 16q24.3.
Variant type: single nucleotide variant.
Coding change: c.3636C>T on transcript NM_001142864.4 (MANE Select); coding-DNA position 3636, C replaced by T.
Protein change: p.Leu1212=; no amino-acid change (leucine 1212 retained).
Molecular consequence: synonymous variant.
Genome position (GRCh38, 1-based): chr16:88,726,778, G>A on the plus strand (C>T on the coding strand, the complement: PIEZO1 is on the minus strand). VCF-style: chr16-88726778-G-A. GRCh37 (hg19) VCF-style: chr16-88793186-G-A.
Identifiers: ClinVar variation 712741 (VCV000712741.33), dbSNP rs112343464, ClinGen allele CA8232436.